The following is an entry in ClinVar:

ClinVar aggregate classification (germline): Likely benign. Review status: criteria provided, single submitter (1 of 4 stars). 2 submissions from 2 submitters: Likely benign (1). 1 of the submissions does not count toward it. Last evaluated 2023-08-01.

Conditions:
COL11A2-related disorder. Also called: COL11A2-related condition; COL11A2-related disorders.

Allele frequency attached by ClinVar (database versions not stated): gnomAD 0.00001; ExAC 0.00002; TOPMed 0.00002; ESP Exome Variant Server 0.00008; gnomAD exomes below 0.00001.
gnomAD v4.1: 7 of 1,613,960 alleles (0.00043%); highest among the groups gnomAD compares: South Asian, 0.0022%; no homozygotes.

Submissions (2):

Labcorp Genetics (formerly Invitae), Labcorp
Classification: Likely benign. Last evaluated: 2023-08-01. Review status: criteria provided, single submitter. Criteria: Invitae Variant Classification Sherloc (09022015). Collection method: clinical testing. Allele origin: germline.

PreventionGenetics, part of Exact Sciences
Classification: Uncertain significance for COL11A2-related condition. Last evaluated: 2024-03-23. Review status: no assertion criteria provided. Collection method: clinical testing. Allele origin: germline. Not counted in ClinVar's aggregate classification.
Comment: The COL11A2 c.3653C>T variant is predicted to result in the amino acid substitution p.Ser1218Leu. To our knowledge, this variant has not been reported in the literature. This variant is reported in 0.0065% of alleles in individuals of South Asian descent in gnomAD. At this time, the clinical significance of this variant is uncertain due to the absence of conclusive functional and genetic evidence.

NM_080680.3(COL11A2):c.3653C>T (p.Ser1218Leu)

Gene: COL11A2 (collagen type XI alpha 2 chain; minus strand). Cytogenetic location: 6p21.32.
Variant type: single nucleotide variant.
Coding change: c.3653C>T on transcript NM_080680.3 (MANE Select); coding-DNA position 3653, C replaced by T.
Protein change: p.Ser1218Leu; replaces serine 1218 with leucine.
Molecular consequence: missense variant.
Genome position (GRCh38, 1-based): chr6:33,169,868, G>A on the plus strand (C>T on the coding strand, the complement: COL11A2 is on the minus strand). VCF-style: chr6-33169868-G-A. GRCh37 (hg19) VCF-style: chr6-33137645-G-A.
Other names: c.3473C>T, p.Ser1158Leu (NM_001424108.1); c.2807C>T, p.Ser936Leu (NM_001424109.1); c.2627C>T, p.Ser876Leu (NM_001424110.1, NM_001424111.1); c.1607C>T, p.Ser536Leu (NM_001424112.1); c.3332C>T, p.Ser1111Leu (NM_080679.3); c.3395C>T, p.Ser1132Leu (NM_080681.3); c.3653C>T (NM_080680.2); short protein forms S1132L, S1218L, S536L, S936L, S1111L, S1158L, S876L.
Identifiers: ClinVar variation 2871057 (VCV002871057.4), dbSNP rs375065728, ClinGen allele CA3750421.